The following is an entry in ClinVar:

ClinVar aggregate classification (germline): Uncertain significance (1 of 4 stars; one submission).

Conditions:
RP1L1-related disorder. Also called: RP1L1-related condition.

gnomAD v4.1: 67 of 1,613,866 alleles (0.0042%); highest among the groups gnomAD compares: Admixed American, 0.072%; no homozygotes.

Submission:

PreventionGenetics, part of Exact Sciences
Classification: Uncertain significance for RP1L1-related condition. Last evaluated: 2026-09-15. Review status: criteria provided, single submitter. Criteria: ACMG Guidelines, 2015. Collection method: clinical testing. Allele origin: germline.
Comment: The RP1L1 c.5153C>T variant is predicted to result in the amino acid substitution p.Thr1718Met. To our knowledge, this variant has not been reported in the literature. This variant is reported in 0.040% of alleles in individuals of Latino descent in gnomAD. At this time, the clinical significance of this variant is uncertain due to the absence of conclusive functional and genetic evidence.

NM_178857.6(RP1L1):c.5153C>T (p.Thr1718Met)

Gene: RP1L1 (RP1 like 1). Cytogenetic location: 8p23.1.
Variant type: single nucleotide variant.
Coding change: c.5153C>T on transcript NM_178857.6 (MANE Select); coding-DNA position 5153, C replaced by T.
Protein change: p.Thr1718Met; replaces threonine 1718 with methionine.
Molecular consequence: missense variant.
Genome position (GRCh38, 1-based): chr8:10,608,945, G>A on the plus strand (C>T on the coding strand, the complement: RP1L1 is on the minus strand). VCF-style: chr8-10608945-G-A. GRCh37 (hg19) VCF-style: chr8-10466455-G-A.
Other names: short protein forms T1718M.
Identifiers: ClinVar variation 4990068 (VCV004990068.1).